The following is an entry in ClinVar:

NM_000051.4(ATM):c.4038del (p.Glu1346fs)

Gene: ATM (ATM serine/threonine kinase; plus strand). Cytogenetic location: 11q22.3.
Variant type: Deletion.
Coding change: c.4038del on transcript NM_000051.4 (MANE Select); coding-DNA position 4038, one base deleted (G; older notation c.4038delG).
Protein change: p.Glu1346fs; shifts the reading frame from glutamic acid 1346.
Molecular consequence: frameshift variant.
Genome position (GRCh38, 1-based): chr11:108,287,644, G deleted. VCF-style (leftmost placement, unchanged base first): chr11-108287643-AG-A. GRCh37 (hg19) VCF-style: chr11-108158370-AG-A.
Other names: c.4038del, p.Glu1346fs (NM_001351834.2); short protein forms E1346fs.
Identifiers: ClinVar variation 1737256 (VCV001737256.2), dbSNP rs2546898032, ClinGen allele CA2580083191.

ClinVar aggregate classification (germline): Pathogenic (1 of 4 stars; one submission).

Conditions:
Hereditary cancer-predisposing syndrome. Also called: Neoplastic Syndromes, Hereditary; Tumor predisposition; Hereditary Cancer Syndrome; Hereditary neoplastic syndrome. Identifiers: Orphanet 140162, MedGen C0027672, MeSH D009386, MONDO:0015356.

Submission:

Ambry Genetics
Classification: Pathogenic for Hereditary cancer-predisposing syndrome. Last evaluated: 2021-02-04. Review status: criteria provided, single submitter. Criteria: Ambry Variant Classification Scheme 2023. Collection method: clinical testing. Allele origin: germline.
Comment: The c.4038delG pathogenic mutation, located in coding exon 26 of the ATM gene, results from a deletion of one nucleotide at nucleotide position 4038, causing a translational frameshift with a predicted alternate stop codon (p.E1346Dfs*3). This alteration is expected to result in loss of function by premature protein truncation or nonsense-mediated mRNA decay. As such, this alteration is interpreted as a disease-causing mutation.